The following is an entry in ClinVar:

NM_025219.3(DNAJC5):c.522G>C (p.Gln174His)

Gene: DNAJC5 (DnaJ heat shock protein family (Hsp40) member C5; plus strand). Cytogenetic location: 20q13.33.
Variant type: single nucleotide variant.
Coding change: c.522G>C on transcript NM_025219.3 (MANE Select); coding-DNA position 522, G replaced by C.
Protein change: p.Gln174His; replaces glutamine 174 with histidine.
Molecular consequence: missense variant.
Genome position (GRCh38, 1-based): chr20:63,931,493, G>C. VCF-style: chr20-63931493-G-C. GRCh37 (hg19) VCF-style: chr20-62562846-G-C.
Other names: short protein forms Q174H.
Identifiers: ClinVar variation 2829969 (VCV002829969.3), dbSNP rs1165602996, ClinGen allele CA409721018.

ClinVar aggregate classification (germline): Uncertain significance (1 of 4 stars; one submission).

Conditions:
Neuronal ceroid lipofuscinosis. Also called: Neuronal Ceroid Lipofuscinoses. Identifiers: Orphanet 216, Orphanet 79263, MedGen C0027877, MONDO:0016295. Disease mechanism: loss of function.

Submission:

Labcorp Genetics (formerly Invitae), Labcorp
Classification: Uncertain significance for Neuronal ceroid lipofuscinosis. Last evaluated: 2024-12-09. Review status: criteria provided, single submitter. Criteria: Invitae Variant Classification Sherloc (09022015). Collection method: clinical testing. Allele origin: germline.
Comment: This sequence change replaces glutamine, which is neutral and polar, with histidine, which is basic and polar, at codon 174 of the DNAJC5 protein (p.Gln174His). This variant is not present in population databases (gnomAD no frequency). This variant has not been reported in the literature in individuals affected with DNAJC5-related conditions. ClinVar contains an entry for this variant (Variation ID: 2829969). An algorithm developed to predict the effect of missense changes on protein structure and function (PolyPhen-2) suggests that this variant is likely to be disruptive. In summary, the available evidence is currently insufficient to determine the role of this variant in disease. Therefore, it has been classified as a Variant of Uncertain Significance.